The following is an entry in ClinVar:

NM_019032.6(ADAMTSL4):c.1581dup (p.Arg528fs)

Genes: ADAMTSL4 (ADAMTS like 4; plus strand), ADAMTSL4-AS2 (ADAMTSL4 antisense RNA 2; minus strand). Cytogenetic location: 1q21.2.
Variant type: Duplication.
Coding change: c.1581dup on transcript NM_019032.6 (MANE Select); coding-DNA position 1581, one base duplicated (T; older notation c.1581dupT).
Protein change: p.Arg528fs; shifts the reading frame from arginine 528.
Molecular consequence: frameshift variant. On other transcripts: non-coding transcript variant (2).
Genome position (GRCh38, 1-based): chr1:150,556,625, T duplicated; the last of 2 consecutive T bases (chr1:150,556,624-150,556,625); duplicating either gives the same sequence. VCF-style (leftmost placement, unchanged base first): chr1-150556623-C-CT. GRCh37 (hg19) VCF-style: chr1-150529099-C-CT.
Other names: c.1650dup, p.Arg551fs (NM_001288607.2, NM_001288608.2); c.1581dup, p.Arg528fs (NM_001378596.1, NM_025008.5); short protein forms R528fs, R551fs.
Identifiers: ClinVar variation 3609585 (VCV003609585.2).

ClinVar aggregate classification (germline): Pathogenic (1 of 4 stars; one submission).

Submission:

Labcorp Genetics (formerly Invitae), Labcorp
Classification: Pathogenic. Last evaluated: 2024-06-09. Review status: criteria provided, single submitter. Criteria: Invitae Variant Classification Sherloc (09022015). Collection method: clinical testing. Allele origin: germline.
Comment: This sequence change creates a premature translational stop signal (p.Arg528Serfs*31) in the ADAMTSL4 gene. It is expected to result in an absent or disrupted protein product. Loss-of-function variants in ADAMTSL4 are known to be pathogenic (PMID: 20564469, 28642162). This variant is present in population databases (no rsID available, gnomAD 0.003%). This variant has not been reported in the literature in individuals affected with ADAMTSL4-related conditions. For these reasons, this variant has been classified as Pathogenic.

Literature cited by the submitters: PubMed 20564469; PubMed 28642162.